The following is an entry in ClinVar:

NM_005591.4(MRE11):c.1792G>C (p.Gly598Arg)

Gene: MRE11 (MRE11 double strand break repair nuclease; minus strand). Cytogenetic location: 11q21.
Variant type: single nucleotide variant.
Coding change: c.1792G>C on transcript NM_005591.4 (MANE Select); coding-DNA position 1792, G replaced by C.
Protein change: p.Gly598Arg; replaces glycine 598 with arginine.
Molecular consequence: missense variant. On other transcripts: intron variant (1).
Genome position (GRCh38, 1-based): chr11:94,445,885, C>G on the plus strand (G>C on the coding strand, the complement: MRE11 is on the minus strand). VCF-style: chr11-94445885-C-G. GRCh37 (hg19) VCF-style: chr11-94179051-C-G.
Other names: c.1783+1334G>C (NM_005590.4); c.1789G>C, p.Gly597Arg (NM_001330347.2); short protein forms G598R, G597R.
Identifiers: ClinVar variation 216609 (VCV000216609.11), dbSNP rs587781951, ClinGen allele CA335982.

ClinVar aggregate classification (germline): Uncertain significance. Review status: criteria provided, multiple submitters, no conflicts (2 of 4 stars). 2 submissions from 2 submitters: Uncertain significance (2). Last evaluated 2024-09-22.

Conditions:
Ataxia-telangiectasia-like disorder (ATLD). Identifiers: MedGen C1858391, MONDO:0011457.
Hereditary cancer-predisposing syndrome. Also called: Hereditary Cancer Syndrome; Hereditary neoplastic syndrome; Neoplastic Syndromes, Hereditary; Tumor predisposition. Identifiers: Orphanet 140162, MedGen C0027672, MeSH D009386, MONDO:0015356.

Allele frequency attached by ClinVar (database versions not stated): gnomAD 0.00001.
gnomAD v4.1: 1 of 1,613,124 alleles (0.000062%); highest among the groups gnomAD compares: African/African-American, 0.0013%; no homozygotes.

Submissions (2):

Ambry Genetics
Classification: Uncertain significance for Hereditary cancer-predisposing syndrome. Last evaluated: 2024-09-22. Review status: criteria provided, single submitter. Criteria: Ambry Variant Classification Scheme 2023. Collection method: clinical testing. Allele origin: germline.
Comment: The p.G598R variant (also known as c.1792G>C), located in coding exon 15 of the MRE11A gene, results from a G to C substitution at nucleotide position 1792. The glycine at codon 598 is replaced by arginine, an amino acid with dissimilar properties. This amino acid position is conserved. In addition, this alteration is predicted to be tolerated by in silico analysis. Based on the available evidence, the clinical significance of this variant remains unclear.

Labcorp Genetics (formerly Invitae), Labcorp
Classification: Uncertain significance for Ataxia-telangiectasia-like disorder. Last evaluated: 2021-02-02. Review status: criteria provided, single submitter. Criteria: Invitae Variant Classification Sherloc (09022015). Collection method: clinical testing. Allele origin: germline.
Comment: This sequence change replaces glycine with arginine at codon 598 of the MRE11A protein (p.Gly598Arg). The glycine residue is moderately conserved and there is a moderate physicochemical difference between glycine and arginine. In summary, the available evidence is currently insufficient to determine the role of this variant in disease. Therefore, it has been classified as a Variant of Uncertain Significance. Algorithms developed to predict the effect of missense changes on protein structure and function output the following: SIFT: "Deleterious"; PolyPhen-2: "Benign"; Align-GVGD: "Class C0". The arginine amino acid residue is found in multiple mammalian species, suggesting that this missense change does not adversely affect protein function. These predictions have not been confirmed by published functional studies and their clinical significance is uncertain. This variant has not been reported in the literature in individuals with MRE11A-related conditions. ClinVar contains an entry for this variant (Variation ID: 216609). This variant is not present in population databases (ExAC no frequency).